The following is an entry in ClinVar:

NM_006393.3(NEBL):c.795C>G (p.Ser265Arg)

Gene: NEBL (nebulette; minus strand). Cytogenetic location: 10p12.31.
Variant type: single nucleotide variant.
Coding change: c.795C>G on transcript NM_006393.3 (MANE Select); coding-DNA position 795, C replaced by G.
Protein change: p.Ser265Arg; replaces serine 265 with arginine.
Molecular consequence: missense variant. On other transcripts: intron variant (9).
Genome position (GRCh38, 1-based): chr10:20,859,716, G>C on the plus strand (C>G on the coding strand, the complement: NEBL is on the minus strand). VCF-style: chr10-20859716-G-C. GRCh37 (hg19) VCF-style: chr10-21148645-G-C.
Other names: c.250-46776C>G (NM_001377326.1, NM_001377327.1, NM_001377328.1); c.358-46776C>G (NM_213569.2, NM_001173484.2, NM_001377322.1); c.301-46776C>G (NM_001377324.1); c.292-46776C>G (NM_001377325.1); c.310-46776C>G (NM_001377323.1); c.795C>G (NM_006393.2); short protein forms S265R.
Identifiers: ClinVar variation 1418040 (VCV001418040.9), dbSNP rs368513995, ClinGen allele CA5433113.
Genomic context (GRCh38, chr10:20,859,716, plus strand): 5'-TAAAAAAAACAAGAATCAAAAGATTTTGAAAATAATTTTCTATGAATTACAACTTACATT[G>C]CTCGCCAGTGTAGCAGCAAGCTGATTCTGCCTAAAAGAAGCACTTTCAAGAGGATTGTAA-3'
Protein context (NP_006384.1, residues 255-275): RQNQLAATLA[Ser265Arg]NVKYKKDIQN

ClinVar aggregate classification (germline): Uncertain significance. Review status: criteria provided, multiple submitters, no conflicts (2 of 4 stars). 2 submissions from 2 submitters: Uncertain significance (2). Last evaluated 2024-05-29.

Conditions:
Primary dilated cardiomyopathy (DCM). Also called: Dilated Cardiomyopathy. Identifiers: Orphanet 217604, MedGen C0007193, MeSH D002311, MONDO:0005021, HP:0001644. Inheritance: Various modes of inheritance.

Allele frequency attached by ClinVar (database versions not stated): ExAC 0.00002; gnomAD 0.00003; TOPMed 0.00003; 1000 Genomes Project 30x 0.00016; 1000 Genomes Project 0.00020.
gnomAD v4.1: 55 of 1,565,786 alleles (0.0035%); highest among the groups gnomAD compares: Non-Finnish European, 0.0047%; no homozygotes.

Submissions (2):

Labcorp Genetics (formerly Invitae), Labcorp
Classification: Uncertain significance for Primary dilated cardiomyopathy. Last evaluated: 2024-05-29. Review status: criteria provided, single submitter. Criteria: Invitae Variant Classification Sherloc (09022015). Collection method: clinical testing. Allele origin: germline.
Comment: This sequence change replaces serine, which is neutral and polar, with arginine, which is basic and polar, at codon 265 of the NEBL protein (p.Ser265Arg). This variant is present in population databases (rs368513995, gnomAD 0.006%). This variant has not been reported in the literature in individuals affected with NEBL-related conditions. ClinVar contains an entry for this variant (Variation ID: 1418040). An algorithm developed to predict the effect of missense changes on protein structure and function (PolyPhen-2) suggests that this variant is likely to be disruptive. In summary, the available evidence is currently insufficient to determine the role of this variant in disease. Therefore, it has been classified as a Variant of Uncertain Significance.

Ambry Genetics
Classification: Uncertain significance. Last evaluated: 2024-05-11. Review status: criteria provided, single submitter. Criteria: Ambry Variant Classification Scheme 2023. Collection method: clinical testing. Allele origin: germline.
Comment: The p.S265R variant (also known as c.795C>G), located in coding exon 8 of the NEBL gene, results from a C to G substitution at nucleotide position 795. The serine at codon 265 is replaced by arginine, an amino acid with dissimilar properties. This amino acid position is conserved. In addition, the in silico prediction for this alteration is inconclusive. Based on the available evidence, the clinical significance of this variant remains unclear.